The following is an entry in ClinVar:

NM_002700.3(POU4F3):c.378G>T (p.Thr126=)

Genes: POU4F3 (POU class 4 homeobox 3; plus strand), LOC127814297 (RBM27-POU4F3; plus strand). Cytogenetic location: 5q32.
Variant type: single nucleotide variant.
Coding change: c.378G>T on transcript NM_002700.3 (MANE Select); coding-DNA position 378, G replaced by T.
Protein change: p.Thr126=; no amino-acid change (threonine 126 retained).
Molecular consequence: synonymous variant.
Genome position (GRCh38, 1-based): chr5:146,339,805, G>T. VCF-style: chr5-146339805-G-T. GRCh37 (hg19) VCF-style: chr5-145719368-G-T.
Identifiers: ClinVar variation 164980 (VCV000164980.5), dbSNP rs113137300, ClinGen allele CA177653.

ClinVar aggregate classification (germline): Likely benign (1 of 4 stars; one submission).

gnomAD v4.1: 1 of 1,610,954 alleles (0.000062%); highest among the groups gnomAD compares: Non-Finnish European, 0.000085%; no homozygotes.

Submission:

Laboratory for Molecular Medicine, Mass General Brigham Personalized Medicine
Classification: Likely benign. Last evaluated: 2013-12-10. Review status: criteria provided, single submitter. Criteria: LMM Criteria. Collection method: clinical testing. Allele origin: germline. Observed: 1 variant allele.
Comment: Thr126Thr in exon 02 of POU4F3: This variant is not expected to have clinical si gnificance because it does not alter an amino acid residue and is not located wi thin the splice consensus sequence. While this variant has been not been previou sly reported in individuals with hearing loss or in large population studies, an other variant at this position (378G>A) leading to a synonymous change has been identified in 0.8% (34/4406) of African American chromosomes by the NHLBI Exome Sequencing Project (dbSNP rs113137300).